The following is an entry in ClinVar:

NM_000142.5(FGFR3):c.1182G>A (p.Thr394=)

Gene: FGFR3 (fibroblast growth factor receptor 3; plus strand). Cytogenetic location: 4p16.3.
Variant type: single nucleotide variant.
Coding change: c.1182G>A on transcript NM_000142.5 (MANE Select); coding-DNA position 1182, G replaced by A.
Protein change: p.Thr394=; no amino-acid change (threonine 394 retained).
Molecular consequence: synonymous variant. On other transcripts: non-coding transcript variant (1), intron variant (1).
Genome position (GRCh38, 1-based): chr4:1,804,436, G>A. VCF-style: chr4-1804436-G-A. GRCh37 (hg19) VCF-style: chr4-1806163-G-A.
Other names: c.1188G>A, p.Thr396= (NM_001163213.2); c.1182G>A, p.Thr394= (NM_001354809.2, NM_001354810.2); c.931-388G>A (NM_022965.4).
Identifiers: ClinVar variation 1218811 (VCV001218811.14), dbSNP rs771495510, ClinGen allele CA2810279.

ClinVar aggregate classification (germline): Likely benign. Review status: criteria provided, multiple submitters, no conflicts (2 of 4 stars). 4 submissions from 4 submitters: Likely benign (4). Last evaluated 2026-05-01.

Allele frequency attached by ClinVar (database versions not stated): gnomAD 0.00007.

Submissions (4):

CeGaT Center for Human Genetics Tuebingen
Classification: Likely benign. Last evaluated: 2026-05-01. Review status: criteria provided, single submitter. Criteria: CeGaT Center For Human Genetics Tuebingen Variant Classification Criteria Version 2. Collection method: clinical testing. Allele origin: germline. Affected: yes. Observed: 1 variant allele.
Comment: FGFR3: BP4, BP7

Labcorp Genetics (formerly Invitae), Labcorp
Classification: Likely benign. Last evaluated: 2025-07-14. Review status: criteria provided, single submitter. Criteria: Invitae Variant Classification Sherloc (09022015). Collection method: clinical testing. Allele origin: germline.

Blueprint Genetics
Classification: Likely benign. Last evaluated: 2024-10-23. Review status: criteria provided, single submitter. Criteria: ACMG Guidelines, 2015. Collection method: clinical testing. Allele origin: germline.

GeneDx
Classification: Likely benign. Last evaluated: 2020-11-18. Review status: criteria provided, single submitter. Criteria: GeneDx Variant Classification Process June 2021. Collection method: clinical testing. Allele origin: germline. Affected: yes.